The following is an entry in ClinVar:

ClinVar aggregate classification (germline): Uncertain significance (1 of 4 stars; one submission).

Conditions:
IFT74-related disorder. Also called: IFT74-related condition; IFT74-Related Disorders.

Submission:

PreventionGenetics, part of Exact Sciences
Classification: Uncertain significance for IFT74-related condition. Last evaluated: 2026-06-25. Review status: criteria provided, single submitter. Criteria: ACMG Guidelines, 2015. Collection method: clinical testing. Allele origin: germline.
Comment: The IFT74 c.594A>C variant is predicted to result in the amino acid substitution p.Glu198Asp. To our knowledge, this variant has not been reported in the literature or in a large population database (gnomAD), indicating this variant is rare. At this time, the clinical significance of this variant is uncertain due to the absence of conclusive functional and genetic evidence.

NM_025103.4(IFT74):c.594A>C (p.Glu198Asp)

Gene: IFT74 (intraflagellar transport 74; plus strand). Cytogenetic location: 9p21.2.
Variant type: single nucleotide variant.
Coding change: c.594A>C on transcript NM_025103.4 (MANE Select); coding-DNA position 594, A replaced by C.
Protein change: p.Glu198Asp; replaces glutamic acid 198 with aspartic acid.
Molecular consequence: missense variant.
Genome position (GRCh38, 1-based): chr9:27,009,026, A>C. VCF-style: chr9-27009026-A-C. GRCh37 (hg19) VCF-style: chr9-27009024-A-C.
Other names: c.594A>C, p.Glu198Asp (NM_001099222.3, NM_001099223.3, NM_001099224.3 and 1 more transcripts); short protein forms E198D.
Identifiers: ClinVar variation 4991278 (VCV004991278.1).